The following is an entry in ClinVar:

NM_014290.3(TDRD7):c.1923G>A (p.Lys641=)

Gene: TDRD7 (tudor domain containing 7; plus strand). Cytogenetic location: 9q22.33.
Variant type: single nucleotide variant.
Coding change: c.1923G>A on transcript NM_014290.3 (MANE Select); coding-DNA position 1923, G replaced by A.
Protein change: p.Lys641=; no amino-acid change (lysine 641 retained).
Molecular consequence: synonymous variant.
Genome position (GRCh38, 1-based): chr9:97,472,474, G>A. VCF-style: chr9-97472474-G-A. GRCh37 (hg19) VCF-style: chr9-100234756-G-A.
Other names: c.1701G>A, p.Lys567= (NM_001302884.2).
Identifiers: ClinVar variation 364071 (VCV000364071.16), dbSNP rs41281938, ClinGen allele CA5146771.

ClinVar aggregate classification (germline): Benign. Review status: criteria provided, multiple submitters, no conflicts (2 of 4 stars). 4 submissions from 4 submitters: Benign (4). Last evaluated 2026-01-19.

Conditions:
Cataract 36. Identifiers: MedGen C3151304, MONDO:0013484, OMIM 613887.

Allele frequency attached by ClinVar (database versions not stated): TOPMed 0.04640; ESP Exome Variant Server 0.04767; gnomAD exomes 0.02877; ExAC 0.03069; 1000 Genomes Project 0.04353; gnomAD 0.04441 and 0.04583; 1000 Genomes Project 30x 0.04591.
gnomAD v4.1: 51,118 of 1,613,386 alleles (3.2%); highest among the groups gnomAD compares: African/African-American, 9.1%; 1,070 homozygotes.

Submissions (4):

Labcorp Genetics (formerly Invitae), Labcorp
Classification: Benign for Cataract 36. Last evaluated: 2026-01-19. Review status: criteria provided, single submitter. Criteria: Invitae Variant Classification Sherloc (09022015). Collection method: clinical testing. Allele origin: germline.

GeneDx
Classification: Benign. Last evaluated: 2018-05-31. Review status: criteria provided, single submitter. Criteria: GeneDx Variant Classification (06012015). Collection method: clinical testing. Allele origin: germline. Affected: yes.
Comment: This variant is considered likely benign or benign based on one or more of the following criteria: it is a conservative change, it occurs at a poorly conserved position in the protein, it is predicted to be benign by multiple in silico algorithms, and/or has population frequency not consistent with disease.

Illumina Laboratory Services, Illumina
Classification: Benign for Cataract 36. Last evaluated: 2018-01-13. Review status: criteria provided, single submitter. Criteria: ICSL Variant Classification Criteria 13 December 2019. Collection method: clinical testing. Allele origin: germline.
Comment: This variant was observed in the ICSL laboratory as part of a predisposition screen in an ostensibly healthy population. It had not been previously curated by ICSL or reported in the Human Gene Mutation Database (HGMD: prior to June 1st, 2018), and was therefore a candidate for classification through an automated scoring system. Utilizing variant allele frequency, disease prevalence and penetrance estimates, and inheritance mode, an automated score was calculated to assess if this variant is too frequent to cause the disease. Based on the score and internal cut-off values, a variant classified as benign is not then subjected to further curation. The score for this variant resulted in a classification of benign for this disease.

Breakthrough Genomics
Classification: Benign. Review status: criteria provided, single submitter. Criteria: ACMG Guidelines, 2015. Collection method: not provided. Allele origin: germline. Inheritance: Autosomal recessive inheritance. Affected: yes.